The following is an entry in ClinVar:

ClinVar aggregate classification (germline): Likely benign (1 of 4 stars; one submission).

Allele frequency attached by ClinVar (database versions not stated): 1000 Genomes Project 0.00060; 1000 Genomes Project 30x 0.00078; TOPMed 0.00139; gnomAD 0.00141; gnomAD exomes 0.00145; ExAC 0.00150; ESP Exome Variant Server 0.00192.
gnomAD v4.1: 2,316 of 1,576,134 alleles (0.15%); highest among the groups gnomAD compares: Middle Eastern, 0.31%; 4 homozygotes.

Submission:

CeGaT Center for Human Genetics Tuebingen
Classification: Likely benign. Last evaluated: 2026-09-01. Review status: criteria provided, single submitter. Criteria: CeGaT Center For Human Genetics Tuebingen Variant Classification Criteria Version 2. Collection method: clinical testing. Allele origin: germline. Affected: yes. Observed: 8 variant alleles.
Comment: VPS41: BP4, BP7

NM_014396.4(VPS41):c.2418C>T (p.Pro806=)

Gene: VPS41 (VPS41 subunit of HOPS complex; minus strand). Cytogenetic location: 7p14.1.
Variant type: single nucleotide variant.
Coding change: c.2418C>T on transcript NM_014396.4 (MANE Select); coding-DNA position 2418, C replaced by T.
Protein change: p.Pro806=; no amino-acid change (proline 806 retained).
Molecular consequence: synonymous variant.
Genome position (GRCh38, 1-based): chr7:38,726,975, G>A on the plus strand (C>T on the coding strand, the complement: VPS41 is on the minus strand). VCF-style: chr7-38726975-G-A. GRCh37 (hg19) VCF-style: chr7-38766575-G-A.
Other names: c.2343C>T, p.Pro781= (NM_080631.4).
Identifiers: ClinVar variation 2657390 (VCV002657390.24), dbSNP rs143998892, ClinGen allele CA4226385.
Genomic context (GRCh38, chr7:38,726,975, plus strand): 5'-GGGCATGGGCAGGCACTCCTTGTGGAACATGTGCCGGCAATGGAAGACCACCACGCTGAA[G>A]GGCTTAGCTGCATCTGGCGAGGAGGGCAGAGAAAGGAGGAGAACTTAATGCAACAAGCAA-3'
Protein context (NP_055211.2, residues 796-816): SPILPSDAAK[Pro806=]FSVVVFHCRH